The following is an entry in ClinVar:

NM_004706.4(ARHGEF1):c.163C>T (p.Arg55Cys)

Gene: ARHGEF1 (Rho guanine nucleotide exchange factor 1; plus strand). Cytogenetic location: 19q13.2.
Variant type: single nucleotide variant.
Coding change: c.163C>T on transcript NM_004706.4 (MANE Select); coding-DNA position 163, C replaced by T.
Protein change: p.Arg55Cys; replaces arginine 55 with cysteine.
Molecular consequence: missense variant. On other transcripts: non-coding transcript variant (2).
Genome position (GRCh38, 1-based): chr19:41,888,803, C>T. VCF-style: chr19-41888803-C-T. GRCh37 (hg19) VCF-style: chr19-42392874-C-T.
Other names: c.163C>T, p.Arg55Cys (NM_001396000.1, NM_001396002.1, NM_001396003.1 and 3 more transcripts); c.208C>T, p.Arg70Cys (NM_199002.2); short protein forms R55C, R70C.
Identifiers: ClinVar variation 3615166 (VCV003615166.2).

ClinVar aggregate classification (germline): Uncertain significance (1 of 4 stars; one submission).

Submission:

Labcorp Genetics (formerly Invitae), Labcorp
Classification: Uncertain significance. Last evaluated: 2025-12-22. Review status: criteria provided, single submitter. Criteria: Invitae Variant Classification Sherloc (09022015). Collection method: clinical testing. Allele origin: germline.
Comment: This sequence change replaces arginine, which is basic and polar, with cysteine, which is neutral and slightly polar, at codon 70 of the ARHGEF1 protein (p.Arg70Cys). This variant is present in population databases (rs782474824, gnomAD 0.003%). This variant has not been reported in the literature in individuals affected with ARHGEF1-related conditions. ClinVar contains an entry for this variant (Variation ID: 3615166). An algorithm developed to predict the effect of missense changes on protein structure and function (PolyPhen-2) suggests that this variant is likely to be disruptive. In summary, the available evidence is currently insufficient to determine the role of this variant in disease. Therefore, it has been classified as a Variant of Uncertain Significance.